The following is an entry in ClinVar:

NM_006231.4(POLE):c.4851C>G (p.Ile1617Met)

Gene: POLE (DNA polymerase epsilon, catalytic subunit; minus strand). Cytogenetic location: 12q24.33.
Variant type: single nucleotide variant.
Coding change: c.4851C>G on transcript NM_006231.4 (MANE Select); coding-DNA position 4851, C replaced by G.
Protein change: p.Ile1617Met; replaces isoleucine 1617 with methionine.
Molecular consequence: missense variant.
Genome position (GRCh38, 1-based): chr12:132,642,607, G>C on the plus strand (C>G on the coding strand, the complement: POLE is on the minus strand). VCF-style: chr12-132642607-G-C. GRCh37 (hg19) VCF-style: chr12-133219193-G-C.
Other names: short protein forms I1617M.
Identifiers: ClinVar variation 3657746 (VCV003657746.2).

ClinVar aggregate classification (germline): Uncertain significance (1 of 4 stars; one submission).

Submission:

Labcorp Genetics (formerly Invitae), Labcorp
Classification: Uncertain significance. Last evaluated: 2024-06-25. Review status: criteria provided, single submitter. Criteria: Invitae Variant Classification Sherloc (09022015). Collection method: clinical testing. Allele origin: germline.
Comment: This sequence change replaces isoleucine, which is neutral and non-polar, with methionine, which is neutral and non-polar, at codon 1617 of the POLE protein (p.Ile1617Met). This variant is not present in population databases (gnomAD no frequency). This variant has not been reported in the literature in individuals affected with POLE-related conditions. Advanced modeling of protein sequence and biophysical properties (such as structural, functional, and spatial information, amino acid conservation, physicochemical variation, residue mobility, and thermodynamic stability) performed at Invitae indicates that this missense variant is not expected to disrupt POLE protein function with a negative predictive value of 80%. In summary, the available evidence is currently insufficient to determine the role of this variant in disease. Therefore, it has been classified as a Variant of Uncertain Significance.